The following is an entry in ClinVar:

ClinVar aggregate classification (germline): Uncertain significance (1 of 4 stars; one submission).

Submission:

CeGaT Center for Human Genetics Tuebingen
Classification: Uncertain significance. Last evaluated: 2024-12-01. Review status: criteria provided, single submitter. Criteria: CeGaT Center For Human Genetics Tuebingen Variant Classification Criteria Version 2. Collection method: clinical testing. Allele origin: germline. Affected: yes. Observed: 1 variant allele.
Comment: DOCK8: PM2, BP4

NM_203447.4(DOCK8):c.4409A>G (p.Asn1470Ser)

Gene: DOCK8 (dedicator of cytokinesis 8; plus strand). Cytogenetic location: 9p24.3.
Variant type: single nucleotide variant.
Coding change: c.4409A>G on transcript NM_203447.4 (MANE Select); coding-DNA position 4409, A replaced by G.
Protein change: p.Asn1470Ser; replaces asparagine 1470 with serine.
Molecular consequence: missense variant.
Genome position (GRCh38, 1-based): chr9:428,432, A>G. VCF-style: chr9-428432-A-G. GRCh37 (hg19) VCF-style: chr9-428432-A-G.
Other names: c.4109A>G, p.Asn1370Ser (NM_001190458.2); c.4205A>G, p.Asn1402Ser (NM_001193536.2); short protein forms N1370S, N1402S, N1470S.
Identifiers: ClinVar variation 3770794 (VCV003770794.13).